The following is an entry in ClinVar:

ClinVar aggregate classification (germline): Uncertain significance. Review status: criteria provided, multiple submitters, no conflicts (2 of 4 stars). 3 submissions from 3 submitters: Uncertain significance (3). Last evaluated 2025-05-16.

Conditions:
UTP4-related disorder. Also called: UTP4-related condition.
Hereditary North American Indian childhood cirrhosis. Identifiers: Orphanet 168583, MedGen C1858051, MONDO:0011497, OMIM 604901.

Allele frequency attached by ClinVar (database versions not stated): gnomAD 0.00002 and 0.00003; gnomAD exomes 0.00007; ExAC 0.00008; TOPMed 0.00008; 1000 Genomes Project 30x 0.00016; 1000 Genomes Project 0.00020.
gnomAD v4.1: 97 of 1,614,146 alleles (0.006%); highest among the groups gnomAD compares: South Asian, 0.012%; no homozygotes.

Submissions (3):

PreventionGenetics, part of Exact Sciences
Classification: Uncertain significance for UTP4-related condition. Last evaluated: 2025-05-16. Review status: criteria provided, single submitter. Criteria: ACMG Guidelines, 2015. Collection method: clinical testing. Allele origin: germline.
Comment: The UTP4 c.1610A>G variant is predicted to result in the amino acid substitution p.Asn537Ser. To our knowledge, this variant has not been reported in the literature. This variant is reported in 0.023% of alleles in individuals of South Asian descent in gnomAD. At this time, the clinical significance of this variant is uncertain due to the absence of conclusive functional and genetic evidence.

Ambry Genetics
Classification: Uncertain significance. Last evaluated: 2021-08-30. Review status: criteria provided, single submitter. Criteria: Ambry Variant Classification Scheme 2023. Collection method: clinical testing. Allele origin: germline.

Illumina Laboratory Services, Illumina
Classification: Uncertain significance for Hereditary North American Indian childhood cirrhosis. Last evaluated: 2018-01-13. Review status: criteria provided, single submitter. Criteria: ICSL Variant Classification Criteria 13 December 2019. Collection method: clinical testing. Allele origin: germline.

NM_032830.3(UTP4):c.1610A>G (p.Asn537Ser)

Gene: UTP4 (UTP4 small subunit processome component). Cytogenetic location: 16q22.1.
Variant type: single nucleotide variant.
Coding change: c.1610A>G on transcript NM_032830.3 (MANE Select); coding-DNA position 1610, A replaced by G.
Protein change: p.Asn537Ser; replaces asparagine 537 with serine.
Molecular consequence: missense variant.
Genome position (GRCh38, 1-based): chr16:69,163,141, A>G. VCF-style: chr16-69163141-A-G. GRCh37 (hg19) VCF-style: chr16-69197044-A-G.
Other names: c.1361A>G, p.Asn454Ser (NM_001318391.2); short protein forms N454S, N537S.
Identifiers: ClinVar variation 886106 (VCV000886106.7), dbSNP rs138922775, ClinGen allele CA8132487.